The following is an entry in ClinVar:

NM_005029.4(PITX3):c.38G>A (p.Ser13Asn)

Genes: GBF1 (golgi brefeldin A resistant guanine nucleotide exchange factor 1; plus strand), PITX3 (paired like homeodomain 3; minus strand). Cytogenetic location: 10q24.32.
Variant type: single nucleotide variant.
Coding change: c.38G>A on transcript NM_005029.4 (MANE Select); coding-DNA position 38, G replaced by A.
Protein change: p.Ser13Asn; replaces serine 13 with asparagine.
Molecular consequence: missense variant.
Genome position (GRCh38, 1-based): chr10:102,232,043, C>T on the plus strand (G>A on the coding strand, the complement: PITX3 is on the minus strand). VCF-style: chr10-102232043-C-T. GRCh37 (hg19) VCF-style: chr10-103991800-C-T.
Other names: short protein forms S13N.
Identifiers: ClinVar variation 6938 (VCV000006938.14), dbSNP rs104894175, ClinGen allele CA118564.

ClinVar aggregate classification (germline): Likely pathogenic. Review status: criteria provided, single submitter (1 of 4 stars). 2 submissions from 2 submitters: Likely pathogenic (1). 1 of the submissions does not count toward it. Last evaluated 2026-03-01.

Conditions:
Cataract 11 multiple types. Also called: Cataract 11. Identifiers: Orphanet 91492, MedGen C1864567, MONDO:0012527, OMIM 610623.

Allele frequency attached by ClinVar (database versions not stated): gnomAD exomes below 0.00001; ExAC 0.00001; TOPMed 0.00002.
gnomAD v4.1: 3 of 1,604,976 alleles (0.00019%); highest among the groups gnomAD compares: Non-Finnish European, 0.00025%; no homozygotes.

Submissions (2):

CeGaT Center for Human Genetics Tuebingen
Classification: Likely pathogenic. Last evaluated: 2026-03-01. Review status: criteria provided, single submitter. Criteria: CeGaT Center For Human Genetics Tuebingen Variant Classification Criteria Version 2. Collection method: clinical testing. Allele origin: germline. Affected: yes. Observed: 2 variant alleles.
Comment: PITX3: PM2, PS4:Moderate, PM6:Supporting, PS3:Supporting

OMIM
Classification: Pathogenic for CATARACT 11, TOTAL. Last evaluated: 1998-06-01. Review status: no assertion criteria provided. Collection method: literature only. Allele origin: germline. Not counted in ClinVar's aggregate classification.

Literature cited by the submitters: PubMed 9620774 (cited by OMIM).